The following is an entry in ClinVar:

NC_000015.10:g.(?_72709680)_(72712327_?)del

Gene: BBS4 (Bardet-Biedl syndrome 4; plus strand). Cytogenetic location: 15q24.1.
Variant type: Deletion.
Identifiers: ClinVar variation 657391 (VCV000657391.8).

ClinVar aggregate classification (germline): Pathogenic (1 of 4 stars; one submission).

Conditions:
Bardet-Biedl syndrome (BBS). Identifiers: Orphanet 110, MedGen C0752166, MONDO:0015229.

Submission:

Labcorp Genetics (formerly Invitae), Labcorp
Classification: Pathogenic for Bardet-Biedl syndrome. Last evaluated: 2024-01-05. Review status: criteria provided, single submitter. Criteria: Invitae Variant Classification Sherloc (09022015). Collection method: clinical testing. Allele origin: germline.
Comment: This variant is a gross deletion of the genomic region encompassing exon(s) 3-4 of the BBS4 gene. This variant would be expected to be in-frame, preserving the integrity of the reading frame. A similar copy number variant has been observed in individuals with Bardet-Biedl syndrome (PMID: 11381270). It has also been observed to segregate with disease in related individuals. For these reasons, this variant has been classified as Pathogenic.

Literature cited by the submitters: PubMed 11381270.